The following is an entry in ClinVar:

ClinVar aggregate classification (germline): Uncertain significance (1 of 4 stars; one submission).

Conditions:
Aortic aneurysm, familial thoracic 4 (AAT4). Also called: AORTIC ANEURYSM/AORTIC DISSECTION AND PATENT DUCTUS ARTERIOSUS. Identifiers: MedGen C1851504, MONDO:0007568, OMIM 132900.

Submission:

Labcorp Genetics (formerly Invitae), Labcorp
Classification: Uncertain significance for Aortic aneurysm, familial thoracic 4. Last evaluated: 2023-01-17. Review status: criteria provided, single submitter. Criteria: Invitae Variant Classification Sherloc (09022015). Collection method: clinical testing. Allele origin: germline.
Comment: In summary, the available evidence is currently insufficient to determine the role of this variant in disease. Therefore, it has been classified as a Variant of Uncertain Significance. Advanced modeling of protein sequence and biophysical properties (such as structural, functional, and spatial information, amino acid conservation, physicochemical variation, residue mobility, and thermodynamic stability) performed at Invitae indicates that this missense variant is not expected to disrupt MYH11 protein function. This variant has not been reported in the literature in individuals affected with MYH11-related conditions. This variant is not present in population databases (gnomAD no frequency). This sequence change replaces threonine, which is neutral and polar, with alanine, which is neutral and non-polar, at codon 1782 of the MYH11 protein (p.Thr1782Ala).

NM_002474.3(MYH11):c.5323A>G (p.Thr1775Ala)

Genes: NDE1 (nudE neurodevelopment protein 1; plus strand), MYH11 (myosin heavy chain 11; minus strand). Cytogenetic location: 16p13.11.
Variant type: single nucleotide variant.
Coding change: c.5323A>G on transcript NM_002474.3 (MANE Select); coding-DNA position 5323, A replaced by G.
Protein change: p.Thr1775Ala; replaces threonine 1775 with alanine.
Molecular consequence: missense variant. On other transcripts: intron variant (2).
Genome position (GRCh38, 1-based): chr16:15,717,321, T>C on the plus strand (A>G on the coding strand, the complement: MYH11 is on the minus strand). VCF-style: chr16-15717321-T-C. GRCh37 (hg19) VCF-style: chr16-15811178-T-C.
Other names: c.5344A>G, p.Thr1782Ala (NM_001040113.2, NM_001040114.2); c.5323A>G, p.Thr1775Ala (NM_022844.3); c.948-6870T>C (NM_001143979.2, NM_017668.3); short protein forms T1782A, T1775A.
Identifiers: ClinVar variation 2829416 (VCV002829416.3), dbSNP rs1323596418, ClinGen allele CA394849292.